The following is an entry in ClinVar:

ClinVar aggregate classification (germline): Likely benign (1 of 4 stars; one submission).

Allele frequency attached by ClinVar (database versions not stated): TOPMed 0.00001.
gnomAD v4.1: 44 of 1,612,984 alleles (0.0027%); highest among the groups gnomAD compares: Middle Eastern, 0.082%; no homozygotes.

Submission:

GeneDx
Classification: Likely benign. Last evaluated: 2016-03-10. Review status: criteria provided, single submitter. Criteria: GeneDx Variant Classification (06012015). Collection method: clinical testing. Allele origin: germline. Affected: yes.
Comment: This variant is considered likely benign or benign based on one or more of the following criteria: it is a conservative change, it occurs at a poorly conserved position in the protein, it is predicted to be benign by multiple in silico algorithms, and/or has population frequency not consistent with disease.

NM_005005.3(NDUFB9):c.-47G>T

Gene: NDUFB9 (NADH:ubiquinone oxidoreductase subunit B9; plus strand). Cytogenetic location: 8q24.13.
Variant type: single nucleotide variant.
Coding change: c.-47G>T on transcript NM_005005.3 (MANE Select); 47 bases upstream of the start codon, G replaced by T.
Molecular consequence: 5 prime UTR variant.
Genome position (GRCh38, 1-based): chr8:124,539,140, G>T. VCF-style: chr8-124539140-G-T. GRCh37 (hg19) VCF-style: chr8-125551381-G-T.
Other names: c.-180G>T (NM_001278645.2); c.-174G>T (NM_001278646.2); c.-47G>T (NM_001311168.2).
Identifiers: ClinVar variation 383665 (VCV000383665.1), dbSNP rs866600933, ClinGen allele CA16605948.